The following is an entry in ClinVar:

NM_172240.3(POC1B):c.575del (p.Val192fs)

Genes: POC1B (POC1 centriolar protein B; minus strand), POC1B-DUSP6 (POC1B-DUSP6 readthrough; minus strand). Cytogenetic location: 12q21.33.
Variant type: Deletion.
Coding change: c.575del on transcript NM_172240.3 (MANE Select); coding-DNA position 575, one base deleted (T; older notation c.575delT).
Protein change: p.Val192fs; shifts the reading frame from valine 192.
Molecular consequence: frameshift variant. On other transcripts: non-coding transcript variant (2).
Genome position (GRCh38, 1-based): chr12:89,471,715, A deleted on the plus strand (T on the coding strand, the reverse complement: POC1B is on the minus strand). VCF-style (leftmost placement, unchanged base first): chr12-89471714-CA-C. GRCh37 (hg19) VCF-style: chr12-89865491-CA-C.
Other names: c.449del, p.Val150fs (NM_001199777.2); short protein forms V192fs, V150fs.
Identifiers: ClinVar variation 1442201 (VCV001442201.7), dbSNP rs2120850531, ClinGen allele CA2573149082.

ClinVar aggregate classification (germline): Pathogenic/Likely pathogenic. Review status: criteria provided, multiple submitters, no conflicts (2 of 4 stars). 2 submissions from 2 submitters: Pathogenic (1); Likely pathogenic (1). Last evaluated 2024-02-26.

Conditions:
POC1B-related disorder. Also called: POC1B-related condition.

Submissions (2):

Blueprint Genetics
Classification: Likely pathogenic for POC1B-related disorders. Last evaluated: 2024-02-26. Review status: criteria provided, single submitter. Criteria: ACMG Guidelines, 2015. Collection method: clinical testing. Allele origin: germline. Affected: yes. Observed: 3 variant alleles.

Labcorp Genetics (formerly Invitae), Labcorp
Classification: Pathogenic. Last evaluated: 2023-07-17. Review status: criteria provided, single submitter. Criteria: Invitae Variant Classification Sherloc (09022015). Collection method: clinical testing. Allele origin: germline.
Comment: For these reasons, this variant has been classified as Pathogenic. Algorithms developed to predict the effect of sequence changes on RNA splicing suggest that this variant may disrupt the consensus splice site. ClinVar contains an entry for this variant (Variation ID: 1442201). This variant has not been reported in the literature in individuals affected with POC1B-related conditions. This variant is not present in population databases (gnomAD no frequency). This sequence change creates a premature translational stop signal (p.Val192Glyfs*10) in the POC1B gene. It is expected to result in an absent or disrupted protein product. Loss-of-function variants in POC1B are known to be pathogenic (PMID: 25018096, 29220607).

Literature cited by the submitters: PubMed 25018096 (cited by Labcorp Genetics (formerly Invitae), Labcorp); PubMed 29220607 (cited by Labcorp Genetics (formerly Invitae), Labcorp).